The following is an entry in ClinVar:

ClinVar aggregate classification (germline): Likely benign. Review status: criteria provided, multiple submitters, no conflicts (2 of 4 stars). 4 submissions from 4 submitters: Likely benign (3). 1 of the submissions does not count toward it. Last evaluated 2025-11-01.

Conditions:
CSPP1-related disorder. Also called: CSPP1-related condition.
Joubert syndrome 21 (JBTS21). Identifiers: MedGen C3810212, MONDO:0014288, OMIM 615636.

Allele frequency attached by ClinVar (database versions not stated): gnomAD 0.00002; gnomAD exomes 0.00002 and 0.00003; ExAC 0.00003; TOPMed 0.00003.
gnomAD v4.1: 43 of 1,609,420 alleles (0.0027%); highest among the groups gnomAD compares: Non-Finnish European, 0.0036%; no homozygotes.

Submissions (4):

CeGaT Center for Human Genetics Tuebingen
Classification: Likely benign. Last evaluated: 2025-11-01. Review status: criteria provided, single submitter. Criteria: CeGaT Center For Human Genetics Tuebingen Variant Classification Criteria Version 2. Collection method: clinical testing. Allele origin: germline. Affected: yes. Observed: 2 variant alleles.
Comment: CSPP1: BP4, BP7

Labcorp Genetics (formerly Invitae), Labcorp
Classification: Likely benign for Joubert syndrome 21. Last evaluated: 2025-10-02. Review status: criteria provided, single submitter. Criteria: Invitae Variant Classification Sherloc (09022015). Collection method: clinical testing. Allele origin: germline.

Blueprint Genetics
Classification: Likely benign. Last evaluated: 2024-10-07. Review status: criteria provided, single submitter. Criteria: ACMG Guidelines, 2015. Collection method: clinical testing. Allele origin: germline.

PreventionGenetics, part of Exact Sciences
Classification: Likely benign for CSPP1-related condition. Last evaluated: 2022-02-17. Review status: no assertion criteria provided. Collection method: clinical testing. Allele origin: germline. Not counted in ClinVar's aggregate classification.
Comment: This variant is classified as likely benign based on ACMG/AMP sequence variant interpretation guidelines (Richards et al. 2015 PMID: 25741868, with internal and published modifications).

NM_001382391.1(CSPP1):c.945G>A (p.Gly315=)

Gene: CSPP1 (centrosome and spindle pole associated protein 1; plus strand). Cytogenetic location: 8q13.2.
Variant type: single nucleotide variant.
Coding change: c.945G>A on transcript NM_001382391.1 (MANE Select); coding-DNA position 945, G replaced by A.
Protein change: p.Gly315=; no amino-acid change (glycine 315 retained).
Molecular consequence: synonymous variant. On other transcripts: intron variant (1).
Genome position (GRCh38, 1-based): chr8:67,103,058, G>A. VCF-style: chr8-67103058-G-A. GRCh37 (hg19) VCF-style: chr8-68015293-G-A.
Other names: c.90G>A, p.Gly30= (NM_001291339.2); c.864G>A, p.Gly288= (NM_001363131.2, NM_001363133.2); c.945G>A, p.Gly315= (NM_001363132.2); c.1053G>A, p.Gly351= (NM_001364869.1); c.972G>A, p.Gly324= (NM_024790.7); c.951-2847G>A (NM_001364870.1).
Identifiers: ClinVar variation 784783 (VCV000784783.34), dbSNP rs759906585, ClinGen allele CA4770397.